The following is an entry in ClinVar:

ClinVar aggregate classification (germline): Uncertain significance. Review status: criteria provided, multiple submitters, no conflicts (2 of 4 stars). 2 submissions from 2 submitters: Uncertain significance (2). Last evaluated 2025-09-29.

Conditions:
Inborn genetic diseases. Identifiers: MedGen C0950123, MeSH D030342.

Allele frequency attached by ClinVar (database versions not stated): gnomAD 0.00002; gnomAD exomes below 0.00001; TOPMed 0.00002.
gnomAD v4.1: 5 of 1,613,710 alleles (0.00031%); highest among the groups gnomAD compares: African/African-American, 0.004%; no homozygotes.

Submissions (2):

Ambry Genetics
Classification: Uncertain significance for Inborn genetic diseases. Last evaluated: 2025-09-29. Review status: criteria provided, single submitter. Criteria: Ambry Variant Classification Scheme 2023. Collection method: clinical testing. Allele origin: germline.

GeneDx
Classification: Uncertain significance. Last evaluated: 2022-02-20. Review status: criteria provided, single submitter. Criteria: GeneDx Variant Classification Process June 2021. Collection method: clinical testing. Allele origin: germline. Affected: yes.
Comment: In silico analysis supports that this missense variant has a deleterious effect on protein structure/function; Has not been previously published as pathogenic or benign to our knowledge

NM_181783.4(TMTC3):c.2333G>A (p.Cys778Tyr)

Gene: TMTC3 (transmembrane O-mannosyltransferase targeting cadherins 3; plus strand). Cytogenetic location: 12q21.32.
Variant type: single nucleotide variant.
Coding change: c.2333G>A on transcript NM_181783.4 (MANE Select); coding-DNA position 2333, G replaced by A.
Protein change: p.Cys778Tyr; replaces cysteine 778 with tyrosine.
Molecular consequence: missense variant. On other transcripts: non-coding transcript variant (1).
Genome position (GRCh38, 1-based): chr12:88,195,237, G>A. VCF-style: chr12-88195237-G-A. GRCh37 (hg19) VCF-style: chr12-88589014-G-A.
Other names: c.2153G>A, p.Cys718Tyr (NM_001366574.1); c.2114G>A, p.Cys705Tyr (NM_001366579.1); c.2066G>A, p.Cys689Tyr (NM_001366580.1); c.1640G>A, p.Cys547Tyr (NM_001366583.1); short protein forms C547Y, C689Y, C705Y, C718Y, C778Y.
Identifiers: ClinVar variation 1702725 (VCV001702725.3), dbSNP rs1465073820, ClinGen allele CA386119755.